The following is an entry in ClinVar:

NM_001184.4(ATR):c.1432G>C (p.Glu478Gln)

Gene: ATR (ATR checkpoint kinase; minus strand). Cytogenetic location: 3q23.
Variant type: single nucleotide variant.
Coding change: c.1432G>C on transcript NM_001184.4 (MANE Select); coding-DNA position 1432, G replaced by C.
Protein change: p.Glu478Gln; replaces glutamic acid 478 with glutamine.
Molecular consequence: missense variant. On other transcripts: intron variant (1).
Genome position (GRCh38, 1-based): chr3:142,560,372, C>G on the plus strand (G>C on the coding strand, the complement: ATR is on the minus strand). VCF-style: chr3-142560372-C-G. GRCh37 (hg19) VCF-style: chr3-142279214-C-G.
Other names: c.1349+871G>C (NM_001354579.2); c.1432G>C (NM_001184.3); short protein forms E478Q.
Identifiers: ClinVar variation 1045892 (VCV001045892.8), dbSNP rs371017404, ClinGen allele CA2650598.
Genomic context (GRCh38, chr3:142,560,372, plus strand): 5'-GTAAGACAACAGCAATTCCTTCTAACATCTCAATAACAGGATTCTTTAGGCCACTGTATT[C>G]AAGGGAAATCTGAAGGGATTCAGCTTTCTGTTTCAGTGCACTCCATAATATGCTCTTTTG-3'
Protein context (NP_001175.2, residues 468-488): QKAESLQISL[Glu478Gln]YSGLKNPVIE

ClinVar aggregate classification (germline): Uncertain significance. Review status: criteria provided, multiple submitters, no conflicts (2 of 4 stars). 3 submissions from 3 submitters: Uncertain significance (3). Last evaluated 2025-04-19.

Conditions:
Inborn genetic diseases. Identifiers: MedGen C0950123, MeSH D030342.

Allele frequency attached by ClinVar (database versions not stated): gnomAD exomes below 0.00001 and 0.00001; ExAC 0.00001; TOPMed 0.00002.
gnomAD v4.1: 13 of 1,613,668 alleles (0.00081%); highest among the groups gnomAD compares: Middle Eastern, 0.016%; no homozygotes.

Submissions (3):

Ambry Genetics
Classification: Uncertain significance for Inborn genetic diseases. Last evaluated: 2025-04-19. Review status: criteria provided, single submitter. Criteria: Ambry Variant Classification Scheme 2023. Collection method: clinical testing. Allele origin: germline.

Labcorp Genetics (formerly Invitae), Labcorp
Classification: Uncertain significance. Last evaluated: 2023-05-19. Review status: criteria provided, single submitter. Criteria: Invitae Variant Classification Sherloc (09022015). Collection method: clinical testing. Allele origin: germline.
Comment: This variant has not been reported in the literature in individuals affected with ATR-related conditions. This variant is present in population databases (rs371017404, gnomAD 0.004%). This sequence change replaces glutamic acid, which is acidic and polar, with glutamine, which is neutral and polar, at codon 478 of the ATR protein (p.Glu478Gln). ClinVar contains an entry for this variant (Variation ID: 1045892). In summary, the available evidence is currently insufficient to determine the role of this variant in disease. Therefore, it has been classified as a Variant of Uncertain Significance. An algorithm developed to predict the effect of missense changes on protein structure and function (PolyPhen-2) suggests that this variant is likely to be tolerated.

GeneDx
Classification: Uncertain significance. Last evaluated: 2022-11-15. Review status: criteria provided, single submitter. Criteria: GeneDx Variant Classification Process June 2021. Collection method: clinical testing. Allele origin: germline. Affected: yes.
Comment: In silico analysis supports that this missense variant does not alter protein structure/function; Has not been previously published as pathogenic or benign to our knowledge